The following is an entry in ClinVar:

ClinVar aggregate classification (germline): Uncertain significance (1 of 4 stars; one submission).

Conditions:
Cardiovascular phenotype. Identifiers: MedGen CN230736.

Allele frequency attached by ClinVar (database versions not stated): gnomAD exomes below 0.00001; TOPMed below 0.00001.
gnomAD v4.1: 6 of 1,550,348 alleles (0.00039%); highest among the groups gnomAD compares: Non-Finnish European, 0.00044%; no homozygotes.

Submission:

Ambry Genetics
Classification: Uncertain significance for Cardiovascular phenotype. Last evaluated: 2022-01-30. Review status: criteria provided, single submitter. Criteria: Ambry Variant Classification Scheme 2023. Collection method: clinical testing. Allele origin: germline.
Comment: The p.D831E variant (also known as c.2493C>A), located in coding exon 1 of the ZNF469 gene, results from a C to A substitution at nucleotide position 2493. The aspartic acid at codon 831 is replaced by glutamic acid, an amino acid with highly similar properties. This amino acid position is conserved. In addition, this alteration is predicted to be tolerated by in silico analysis. Since supporting evidence is limited at this time, the clinical significance of this alteration remains unclear.

NM_001367624.2(ZNF469):c.2493C>A (p.Asp831Glu)

Gene: ZNF469 (zinc finger protein 469; plus strand). Cytogenetic location: 16q24.2.
Variant type: single nucleotide variant.
Coding change: c.2493C>A on transcript NM_001367624.2 (MANE Select); coding-DNA position 2493, C replaced by A.
Protein change: p.Asp831Glu; replaces aspartic acid 831 with glutamic acid.
Molecular consequence: missense variant.
Genome position (GRCh38, 1-based): chr16:88,429,963, C>A. VCF-style: chr16-88429963-C-A. GRCh37 (hg19) VCF-style: chr16-88496371-C-A.
Other names: NM_001127464.1:c.2493C>A; short protein forms D831E.
Identifiers: ClinVar variation 1792099 (VCV001792099.2), dbSNP rs1358356473, ClinGen allele CA397072511.